The following is an entry in ClinVar:

NM_000138.5(FBN1):c.5162G>A (p.Cys1721Tyr)

Gene: FBN1 (fibrillin 1; minus strand). Cytogenetic location: 15q21.1.
Variant type: single nucleotide variant.
Coding change: c.5162G>A on transcript NM_000138.5 (MANE Select); coding-DNA position 5162, G replaced by A.
Protein change: p.Cys1721Tyr; replaces cysteine 1721 with tyrosine.
Molecular consequence: missense variant.
Genome position (GRCh38, 1-based): chr15:48,463,144, C>T on the plus strand (G>A on the coding strand, the complement: FBN1 is on the minus strand). VCF-style: chr15-48463144-C-T. GRCh37 (hg19) VCF-style: chr15-48755341-C-T.
Other names: short protein forms C1721Y.
Identifiers: ClinVar variation 955920 (VCV000955920.10), dbSNP rs2043292594, ClinGen allele CA392349165.
Genomic context (GRCh38, chr15:48,463,144, plus strand): 5'-GTACTTGGGATGGGACACTGTTCACAGGGCTTGTTCCACGCCCGGCCAATGTTGTAGGAA[C>T]AGCAGCACATCTTCTTGGTCATGTTGAATAACAATTCTCCATCACAGGTCTGGTTGTCAG-3'
Protein context (NP_000129.3, residues 1711-1731): LFNMTKKMCC[Cys1721Tyr]SYNIGRAWNK

ClinVar aggregate classification (germline): Pathogenic/Likely pathogenic. Review status: criteria provided, multiple submitters, no conflicts (2 of 4 stars). 2 submissions from 2 submitters: Pathogenic (1); Likely pathogenic (1). Last evaluated 2025-02-11.

Conditions:
Marfan syndrome (MFS). Also called: FBN1-Related Marfan Syndrome; MARFAN SYNDROME, TYPE I; Marfan syndrome type 1; Marfan's syndrome; Marfan syndrome, classic. Identifiers: Orphanet 284963, Orphanet 558, MedGen C0024796, MONDO:0007947, OMIM 154700.
Familial thoracic aortic aneurysm and aortic dissection (TAAD). Also called: Thoracic aortic aneurysms and dissections. Identifiers: Orphanet 91387, MedGen C4707243, MONDO:0019625.

Submissions (2):

GeneDx
Classification: Likely pathogenic. Last evaluated: 2025-02-11. Review status: criteria provided, single submitter. Criteria: GeneDx Variant Classification Process June 2021. Collection method: clinical testing. Allele origin: germline. Affected: yes.
Comment: Identified in patients with features of Marfan syndrome or TAAD referred for genetic testing at GeneDx and in published literature (PMID: 9399842, 27611364, 34498425); Not observed at significant frequency in large population cohorts (gnomAD); In silico analysis supports that this missense variant has a deleterious effect on protein structure/function; Affects a cysteine residue within a TGF-binding protein domain (aka TB domain or 8-Cysteine domain) and is expected to disrupt disulfide bonding within this domain; other missense substitutions that affect cysteine residues within TGF-binding protein domains have been reported in association with FBN1-related disorders (PMIDs: 8281141, 21175431, 7622614; HGMD); This variant is associated with the following publications: (PMID: 27611364, 34498425, 34916231, 9399842, 8281141, 21175431, 7622614)

Labcorp Genetics (formerly Invitae), Labcorp
Classification: Pathogenic for Marfan syndrome; Familial thoracic aortic aneurysm and aortic dissection. Last evaluated: 2023-11-21. Review status: criteria provided, single submitter. Criteria: Invitae Variant Classification Sherloc (09022015). Collection method: clinical testing. Allele origin: germline.
Comment: This sequence change replaces cysteine, which is neutral and slightly polar, with tyrosine, which is neutral and polar, at codon 1721 of the FBN1 protein (p.Cys1721Tyr). This variant is not present in population databases (gnomAD no frequency). This missense change has been observed in individuals with FBN1-related conditions (PMID: 9399842, 27611364; Invitae). ClinVar contains an entry for this variant (Variation ID: 955920). Advanced modeling of protein sequence and biophysical properties (such as structural, functional, and spatial information, amino acid conservation, physicochemical variation, residue mobility, and thermodynamic stability) performed at Invitae indicates that this missense variant is expected to disrupt FBN1 protein function with a positive predictive value of 95%. This variant affects a cysteine residue in the EGF-like, TGFBP or hybrid motif domains of FBN1. Cysteine residues are believed to be involved in intramolecular disulfide bridges and have been shown to be important for FBN1 protein structure (PMID: 16905551, 19349279). In addition, missense substitutions affecting cysteine residues within these domains are significantly overrepresented among patients with Marfan syndrome (PMID: 16571647, 17701892). For these reasons, this variant has been classified as Pathogenic.

Literature cited by the submitters: PubMed 9399842 (cited by Labcorp Genetics (formerly Invitae), Labcorp); PubMed 27611364 (cited by Labcorp Genetics (formerly Invitae), Labcorp); PubMed 16905551 (cited by Labcorp Genetics (formerly Invitae), Labcorp); PubMed 19349279 (cited by Labcorp Genetics (formerly Invitae), Labcorp); PubMed 16571647 (cited by Labcorp Genetics (formerly Invitae), Labcorp); PubMed 17701892 (cited by Labcorp Genetics (formerly Invitae), Labcorp).